The following is an entry in ClinVar:

NM_015466.4(PTPN23):c.4718_4719insA (p.Ser1574fs)

Gene: PTPN23 (protein tyrosine phosphatase non-receptor type 23; plus strand). Cytogenetic location: 3p21.31.
Variant type: Insertion.
Coding change: c.4718_4719insA on transcript NM_015466.4 (MANE Select); coding-DNA positions 4718 to 4719, A inserted.
Protein change: p.Ser1574fs; shifts the reading frame from serine 1574.
Molecular consequence: frameshift variant.
Genome position: GRCh38 VCF-style: chr3-47412992-C-CA. GRCh37 (hg19) VCF-style: chr3-47454482-C-CA.
Other names: c.4340_4341insA, p.Ser1448fs (NM_001304482.2); short protein forms S1448fs, S1574fs.
Identifiers: ClinVar variation 2019682 (VCV002019682.4), dbSNP rs2546261739, ClinGen allele CA2580069891.

ClinVar aggregate classification (germline): Uncertain significance (1 of 4 stars; one submission).

Submission:

Labcorp Genetics (formerly Invitae), Labcorp
Classification: Uncertain significance. Last evaluated: 2022-08-04. Review status: criteria provided, single submitter. Criteria: Invitae Variant Classification Sherloc (09022015). Collection method: clinical testing. Allele origin: germline.
Comment: This sequence change creates a premature translational stop signal (p.Ser1574Leufs*31) in the PTPN23 gene. While this is not anticipated to result in nonsense mediated decay, it is expected to disrupt the last 63 amino acid(s) of the PTPN23 protein. This variant is not present in population databases (gnomAD no frequency). In summary, the available evidence is currently insufficient to determine the role of this variant in disease. Therefore, it has been classified as a Variant of Uncertain Significance. Experimental studies and prediction algorithms are not available or were not evaluated, and the functional significance of this variant is currently unknown. This variant has not been reported in the literature in individuals affected with PTPN23-related conditions.